The following is an entry in ClinVar:

ClinVar aggregate classification (germline): Conflicting classifications of pathogenicity. Review status: criteria provided, conflicting classifications (1 of 4 stars). 2 submissions from 2 submitters: Pathogenic (1); Uncertain significance (1). Last evaluated 2025-11-12.

Conditions:
Juvenile polyposis syndrome (JPS). Identifiers: Orphanet 2929, MedGen C0345893, MONDO:0017380, OMIM 174900.

Submissions (2):

Labcorp Genetics (formerly Invitae), Labcorp
Classification: Pathogenic for Juvenile polyposis syndrome. Last evaluated: 2025-11-12. Review status: criteria provided, single submitter. Criteria: Invitae Variant Classification Sherloc (09022015). Collection method: clinical testing. Allele origin: germline.
Comment: This sequence change creates a premature translational stop signal (p.Ala532delinsProLysThrGluHisGlnArgAsnThrLeuLeuAsp*) in the SMAD4 gene. While this is not anticipated to result in nonsense mediated decay, it is expected to disrupt the last 21 amino acid(s) of the SMAD4 protein. This variant is not present in population databases (gnomAD no frequency). This variant has not been reported in the literature in individuals affected with SMAD4-related conditions. This variant disrupts a region of the SMAD4 protein in which other variant(s) (p.Leu533Pro) have been determined to be pathogenic (PMID: 20101697; internal data). This suggests that this is a clinically significant region of the protein, and that variants that disrupt it are likely to be disease-causing. For these reasons, this variant has been classified as Pathogenic.

Mayo Clinic Laboratories, Mayo Clinic
Classification: Uncertain significance. Last evaluated: 2025-08-06. Review status: criteria provided, single submitter. Criteria: ACMG Guidelines, 2015. Collection method: clinical testing. Allele origin: germline. Observed: 1 variant allele.
Comment: PM2_supporting, PM4

Literature cited by the submitters: PubMed 20101697 (cited by Labcorp Genetics (formerly Invitae), Labcorp).

NM_005359.6(SMAD4):c.1538_1592dup (p.Arg531_Ala532insProLysThrGluHisGlnArgAsnThrLeuLeuAspTer)

Gene: SMAD4 (SMAD family member 4; plus strand). Cytogenetic location: 18q21.2.
Variant type: Duplication.
Coding change: c.1538_1592dup on transcript NM_005359.6 (MANE Select); coding-DNA positions 1538 to 1592, 55 bases duplicated.
Protein change: p.Arg531_Ala532insProLysThrGluHisGlnArgAsnThrLeuLeuAspTer.
Molecular consequence: nonsense, inframe insertion. On other transcripts: non-coding transcript variant (1).
Genome position (GRCh38, 1-based): chr18:51,078,346-51,078,400, 55 bases duplicated. GRCh37 (hg19): chr18:48,604,716-48,604,770.
Other names: p.Arg531_Ala532insProLysThrGluHisGlnArgAsnThrLeuLeuAsp*; c.1538_1592dup, p.Arg531_Ala532insProLysThrGluHisGlnArgAsnThrLeuLeuAspTer (NM_001407041.1, NM_001407042.1).
Identifiers: ClinVar variation 4542263 (VCV004542263.2).